The following is an entry in ClinVar:

ClinVar aggregate classification (germline): Likely benign (0 of 4 stars; one submission).

Conditions:
ERBB4-related disorder. Also called: ERBB4-related condition.

gnomAD v4.1: 1 of 1,613,934 alleles (0.000062%); highest among the groups gnomAD compares: South Asian, 0.0011%; no homozygotes.

Submission:

PreventionGenetics, part of Exact Sciences
Classification: Likely benign for ERBB4-related condition. Last evaluated: 2022-04-05. Review status: no assertion criteria provided. Collection method: clinical testing. Allele origin: germline.
Comment: This variant is classified as likely benign based on ACMG/AMP sequence variant interpretation guidelines (Richards et al. 2015 PMID: 25741868, with internal and published modifications).

NM_005235.3(ERBB4):c.57C>G (p.Thr19=)

Gene: ERBB4 (erb-b2 receptor tyrosine kinase 4; minus strand). Cytogenetic location: 2q34.
Variant type: single nucleotide variant.
Coding change: c.57C>G on transcript NM_005235.3 (MANE Select); coding-DNA position 57, C replaced by G.
Protein change: p.Thr19=; no amino-acid change (threonine 19 retained).
Molecular consequence: synonymous variant.
Genome position (GRCh38, 1-based): chr2:212,538,474, G>C on the plus strand (C>G on the coding strand, the complement: ERBB4 is on the minus strand). VCF-style: chr2-212538474-G-C. GRCh37 (hg19) VCF-style: chr2-213403198-G-C.
Other names: c.57C>G, p.Thr19= (NM_001042599.2).
Identifiers: ClinVar variation 3044301 (VCV003044301.2), dbSNP rs547252285, ClinGen allele CA431296111.